The following is an entry in ClinVar:

NM_000081.4(LYST):c.7846G>T (p.Asp2616Tyr)

Gene: LYST (lysosomal trafficking regulator; minus strand). Cytogenetic location: 1q42.3.
Variant type: single nucleotide variant.
Coding change: c.7846G>T on transcript NM_000081.4 (MANE Select); coding-DNA position 7846, G replaced by T.
Protein change: p.Asp2616Tyr; replaces aspartic acid 2616 with tyrosine.
Molecular consequence: missense variant.
Genome position (GRCh38, 1-based): chr1:235,746,462, C>A on the plus strand (G>T on the coding strand, the complement: LYST is on the minus strand). VCF-style: chr1-235746462-C-A. GRCh37 (hg19) VCF-style: chr1-235909762-C-A.
Other names: c.7846G>T, p.Asp2616Tyr (NM_001301365.1); c.7846G>T (NM_000081.2); short protein forms D2616Y.
Identifiers: ClinVar variation 2041685 (VCV002041685.2), dbSNP rs760310039, ClinGen allele CA39607878.

ClinVar aggregate classification (germline): Uncertain significance. Review status: criteria provided, multiple submitters, no conflicts (2 of 4 stars). 2 submissions from 2 submitters: Uncertain significance (2). Last evaluated 2025-05-20.

Conditions:
Chédiak-Higashi syndrome (CHS). Also called: Chediak-Higashi Syndrome. Identifiers: Orphanet 167, MedGen C0007965, MONDO:0008963, OMIM 214500.
Inborn genetic diseases. Identifiers: MedGen C0950123, MeSH D030342.

gnomAD v4.1: 26 of 1,613,870 alleles (0.0016%); highest among the groups gnomAD compares: Non-Finnish European, 0.0022%; no homozygotes.

Submissions (2):

Ambry Genetics
Classification: Uncertain significance for Inborn genetic diseases. Last evaluated: 2025-05-20. Review status: criteria provided, single submitter. Criteria: Ambry Variant Classification Scheme 2023. Collection method: clinical testing. Allele origin: germline.

Labcorp Genetics (formerly Invitae), Labcorp
Classification: Uncertain significance for Chédiak-Higashi syndrome. Last evaluated: 2022-06-23. Review status: criteria provided, single submitter. Criteria: Invitae Variant Classification Sherloc (09022015). Collection method: clinical testing. Allele origin: germline.
Comment: This sequence change replaces aspartic acid, which is acidic and polar, with tyrosine, which is neutral and polar, at codon 2616 of the LYST protein (p.Asp2616Tyr). This variant is not present in population databases (gnomAD no frequency). This variant has not been reported in the literature in individuals affected with LYST-related conditions. Algorithms developed to predict the effect of missense changes on protein structure and function are either unavailable or do not agree on the potential impact of this missense change (SIFT: "Deleterious"; PolyPhen-2: "Possibly Damaging"; Align-GVGD: "Class C0"). In summary, the available evidence is currently insufficient to determine the role of this variant in disease. Therefore, it has been classified as a Variant of Uncertain Significance.